The following is an entry in ClinVar:

ClinVar aggregate classification (germline): Uncertain significance. Review status: criteria provided, multiple submitters, no conflicts (2 of 4 stars). 3 submissions from 3 submitters: Uncertain significance (2). 1 of the submissions does not count toward it. Last evaluated 2025-10-28.

Conditions:
Usher syndrome type 1B (USH1B). Also called: Usher syndrome type IB. Identifiers: MedGen C1848638, MONDO:0700087.

gnomAD v4.1: 1 of 1,610,552 alleles (0.000062%); highest among the groups gnomAD compares: Admixed American, 0.0017%; no homozygotes.

Submissions (3):

Women's Health and Genetics/Laboratory Corporation of America, LabCorp
Classification: Uncertain significance. Last evaluated: 2025-10-28. Review status: criteria provided, single submitter. Criteria: LabCorp Variant Classification Summary - May 2015. Collection method: clinical testing. Allele origin: germline.
Comment: Variant summary: MYO7A c.5857G>A (p.Val1953Ile) results in a conservative amino acid change in the encoded protein sequence. Algorithms developed to predict the effect of missense changes on protein structure and function are either unavailable or do not agree on the potential impact of this missense change. Consensus agreement among computation tools predict no significant impact on normal splicing. However, these predictions have yet to be confirmed by functional studies. The variant allele was found at a frequency of 4e-06 in 247498 control chromosomes. The available data on variant occurrences in the general population are insufficient to allow any conclusion about variant significance. To our knowledge, no occurrence of c.5857G>A in individuals affected with MYO7A-related conditions and no experimental evidence demonstrating its impact on protein function have been reported. ClinVar contains an entry for this variant (Variation ID: 3629882). Based on the evidence outlined above, the variant was classified as uncertain significance.

Labcorp Genetics (formerly Invitae), Labcorp
Classification: Uncertain significance. Last evaluated: 2024-03-01. Review status: criteria provided, single submitter. Criteria: Invitae Variant Classification Sherloc (09022015). Collection method: clinical testing. Allele origin: germline.
Comment: This sequence change replaces valine, which is neutral and non-polar, with isoleucine, which is neutral and non-polar, at codon 1953 of the MYO7A protein (p.Val1953Ile). The frequency data for this variant in the population databases is considered unreliable, as metrics indicate poor data quality at this position in the gnomAD database. This variant has not been reported in the literature in individuals affected with MYO7A-related conditions. An algorithm developed to predict the effect of missense changes on protein structure and function (PolyPhen-2) suggests that this variant is likely to be disruptive. In summary, the available evidence is currently insufficient to determine the role of this variant in disease. Therefore, it has been classified as a Variant of Uncertain Significance.

Natera, Inc.
Classification: Uncertain significance for Usher syndrome type 1B. Last evaluated: 2025-03-17. Review status: no assertion criteria provided. Collection method: clinical testing. Allele origin: germline. Not counted in ClinVar's aggregate classification.

NM_000260.4(MYO7A):c.5857G>A (p.Val1953Ile)

Gene: MYO7A (myosin VIIA; plus strand). Cytogenetic location: 11q13.5.
Variant type: single nucleotide variant.
Coding change: c.5857G>A on transcript NM_000260.4 (MANE Select); coding-DNA position 5857, G replaced by A.
Protein change: p.Val1953Ile; replaces valine 1953 with isoleucine.
Molecular consequence: missense variant.
Genome position (GRCh38, 1-based): chr11:77,208,430, G>A. VCF-style: chr11-77208430-G-A. GRCh37 (hg19) VCF-style: chr11-76919475-G-A.
Other names: c.5857G>A (NM_000260.3); c.5743G>A, p.Val1915Ile (NM_001127180.2); c.5710G>A, p.Val1904Ile (NM_001369365.1); short protein forms V1904I, V1915I, V1953I.
Identifiers: ClinVar variation 3629882 (VCV003629882.5).